The following is an entry in ClinVar:

NM_004990.4(MARS1):c.2556+4T>A

Gene: MARS1 (methionyl-tRNA synthetase 1; plus strand). Cytogenetic location: 12q13.3.
Variant type: single nucleotide variant.
Coding change: c.2556+4T>A on transcript NM_004990.4 (MANE Select); 4 bases into the intron after coding-DNA position 2556, T replaced by A.
Molecular consequence: intron variant.
Genome position (GRCh38, 1-based): chr12:57,516,341, T>A. VCF-style: chr12-57516341-T-A. GRCh37 (hg19) VCF-style: chr12-57910124-T-A.
Identifiers: ClinVar variation 2954049 (VCV002954049.3), dbSNP rs2540323023, ClinGen allele CA2619466679.

ClinVar aggregate classification (germline): Uncertain significance (1 of 4 stars; one submission).

Conditions:
Severe early-onset pulmonary alveolar proteinosis due to MARS deficiency. Also called: PULMONARY ALVEOLAR PROTEINOSIS, REUNION ISLAND; Interstitial lung and liver disease. Identifiers: Orphanet 440427, MedGen C4225400, MONDO:0014206, OMIM 615486.
Charcot-Marie-Tooth disease axonal type 2U. Also called: CHARCOT-MARIE-TOOTH NEUROPATHY, TYPE 2U; CHARCOT-MARIE-TOOTH DISEASE, AXONAL, AUTOSOMAL DOMINANT, TYPE 2U. Identifiers: Orphanet 397735, MedGen C4084821, MONDO:0014566, OMIM 616280.

Allele frequency attached by ClinVar (database versions not stated): gnomAD exomes below 0.00001.
gnomAD v4.1: 3 of 1,614,132 alleles (0.00019%); highest among the groups gnomAD compares: Non-Finnish European, 0.00025%; no homozygotes.

Submission:

Labcorp Genetics (formerly Invitae), Labcorp
Classification: Uncertain significance for Charcot-Marie-Tooth disease axonal type 2U; Severe early-onset pulmonary alveolar proteinosis due to MARS deficiency. Last evaluated: 2023-11-19. Review status: criteria provided, single submitter. Criteria: Invitae Variant Classification Sherloc (09022015). Collection method: clinical testing. Allele origin: germline.
Comment: This sequence change falls in intron 20 of the MARS gene. It does not directly change the encoded amino acid sequence of the MARS protein. It affects a nucleotide within the consensus splice site. This variant is not present in population databases (gnomAD no frequency). This variant has not been reported in the literature in individuals affected with MARS-related conditions. Variants that disrupt the consensus splice site are a relatively common cause of aberrant splicing (PMID: 17576681, 9536098). Algorithms developed to predict the effect of sequence changes on RNA splicing suggest that this variant is not likely to affect RNA splicing. In summary, the available evidence is currently insufficient to determine the role of this variant in disease. Therefore, it has been classified as a Variant of Uncertain Significance.

Literature cited by the submitters: PubMed 17576681; PubMed 9536098.